The following is an entry in ClinVar:

NM_000666.3(ACY1):c.19G>A (p.Glu7Lys)

Genes: ABHD14A-ACY1 (ABHD14A-ACY1 readthrough; plus strand), ACY1 (aminoacylase 1; plus strand). Cytogenetic location: 3p21.2.
Variant type: single nucleotide variant.
Coding change: c.19G>A on transcript NM_000666.3 (MANE Select); coding-DNA position 19, G replaced by A.
Protein change: p.Glu7Lys; replaces glutamic acid 7 with lysine.
Molecular consequence: missense variant.
Genome position (GRCh38, 1-based): chr3:51,984,083, G>A. VCF-style: chr3-51984083-G-A. GRCh37 (hg19) VCF-style: chr3-52018099-G-A.
Other names: c.289G>A, p.Glu97Lys (NM_001316331.2); c.19G>A, p.Glu7Lys (NM_001198895.2, NM_001198896.2, NM_001198897.2 and 1 more transcripts); c.19G>A (NM_000666.2); short protein forms E7K, E97K.
Identifiers: ClinVar variation 3236441 (VCV003236441.3), dbSNP rs953420417, ClinGen allele CA74714852.

ClinVar aggregate classification (germline): Uncertain significance. Review status: criteria provided, multiple submitters, no conflicts (2 of 4 stars). 2 submissions from 2 submitters: Uncertain significance (2). Last evaluated 2025-08-28.

Conditions:
Inborn genetic diseases. Identifiers: MedGen C0950123, MeSH D030342.
Aminoacylase 1 deficiency. Also called: Neurological conditions associated with aminoacylase 1 deficiency. Identifiers: Orphanet 137754, MedGen C1835922, MONDO:0012368, OMIM 609924.

Allele frequency attached by ClinVar (database versions not stated): gnomAD 0.00001; TOPMed 0.00001.

Submissions (2):

Ambry Genetics
Classification: Uncertain significance for Inborn genetic diseases. Last evaluated: 2025-08-28. Review status: criteria provided, single submitter. Criteria: Ambry Variant Classification Scheme 2023. Collection method: clinical testing. Allele origin: germline.

Neuberg Centre For Genomic Medicine, NCGM
Classification: Uncertain significance for Aminoacylase 1 deficiency. Review status: criteria provided, single submitter. Criteria: ACMG Guidelines, 2015. Collection method: clinical testing. Allele origin: germline. Inheritance: Autosomal recessive inheritance. Affected: yes.
Comment: The missense c.19G>A p.Glu7Lys variant in ACY1 gene has not been reported previously as a pathogenic variant nor as a benign variant, to our knowledge. The p.Glu7Lys variant has allele frequency 0.0004% in gnomAD Exomes and is novel not in any individuals in 1000 Genomes. This variant has not been reported to the ClinVar database. The amino acid change p.Glu7Lys in ACY1 is predicted as conserved by GERP++ and PhyloP across 100 vertebrates. The amino acid Glu at position 7 is changed to a Lys changing protein sequence and it might alter its composition and physico-chemical properties. For these reasons, this variant has been classified as Variant of Uncertain Significance VUS.